The following is an entry in ClinVar:

NM_001395413.1(POR):c.754G>A (p.Asp252Asn)

Gene: POR (cytochrome p450 oxidoreductase; plus strand). Cytogenetic location: 7q11.23.
Variant type: single nucleotide variant.
Coding change: c.754G>A on transcript NM_001395413.1 (MANE Select); coding-DNA position 754, G replaced by A.
Protein change: p.Asp252Asn; replaces aspartic acid 252 with asparagine.
Molecular consequence: missense variant.
Genome position (GRCh38, 1-based): chr7:75,982,255, G>A. VCF-style: chr7-75982255-G-A. GRCh37 (hg19) VCF-style: chr7-75611573-G-A.
Other names: c.754G>A, p.Asp252Asn (NM_001367562.3, NM_001382657.2, NM_001382658.3 and 2 more transcripts); c.808G>A, p.Asp270Asn (NM_001382655.3); short protein forms D252N, D270N.
Identifiers: ClinVar variation 1411724 (VCV001411724.5), dbSNP rs41299514, ClinGen allele CA4303824.
Genomic context (GRCh38, chr7:75,982,255, plus strand): 5'-CGGCCTCACCCTTGGTCTCCCCTTTCCAGCATTCGCCAGTACGAGCTTGTGGTCCACACC[G>A]ACATAGATGCGGCCAAGGTGTACATGGGGGAGATGGGCCGGCTGAAGAGCTACGAGAACC-3'
Protein context (NP_001382342.1, residues 242-262): IRQYELVVHT[Asp252Asn]IDAAKVYMGE

ClinVar aggregate classification (germline): Uncertain significance (1 of 4 stars; one submission).

Conditions:
Congenital adrenal hyperplasia due to cytochrome P450 oxidoreductase deficiency. Also called: DISORDERED STEROIDOGENESIS DUE TO POR DEFICIENCY. Identifiers: Orphanet 95699, MedGen C1860042, MONDO:0013310, OMIM 613571.

Allele frequency attached by ClinVar (database versions not stated): gnomAD 0.00001; ExAC 0.00002; gnomAD exomes 0.00002; TOPMed 0.00002; 1000 Genomes Project 30x 0.00016; 1000 Genomes Project 0.00020.
gnomAD v4.1: 11 of 1,612,658 alleles (0.00068%); highest among the groups gnomAD compares: East Asian, 0.0067%; no homozygotes.

Submission:

Labcorp Genetics (formerly Invitae), Labcorp
Classification: Uncertain significance for Congenital adrenal hyperplasia due to cytochrome P450 oxidoreductase deficiency. Last evaluated: 2021-08-27. Review status: criteria provided, single submitter. Criteria: Invitae Variant Classification Sherloc (09022015). Collection method: clinical testing. Allele origin: germline.
Comment: This sequence change replaces aspartic acid with asparagine at codon 255 of the POR protein (p.Asp255Asn). The aspartic acid residue is highly conserved and there is a small physicochemical difference between aspartic acid and asparagine. This variant is present in population databases (rs41299514, ExAC 0.03%). This variant has not been reported in the literature in individuals affected with POR-related conditions. Algorithms developed to predict the effect of missense changes on protein structure and function are either unavailable or do not agree on the potential impact of this missense change (SIFT: "Deleterious"; PolyPhen-2: "Benign"; Align-GVGD: "Class C15"). In summary, the available evidence is currently insufficient to determine the role of this variant in disease. Therefore, it has been classified as a Variant of Uncertain Significance.